The following is an entry in ClinVar:

NM_032119.4(ADGRV1):c.9558C>T (p.Thr3186=)

Gene: ADGRV1 (adhesion G protein-coupled receptor V1; plus strand). Cytogenetic location: 5q14.3.
Variant type: single nucleotide variant.
Coding change: c.9558C>T on transcript NM_032119.4 (MANE Select); coding-DNA position 9558, C replaced by T.
Protein change: p.Thr3186=; no amino-acid change (threonine 3186 retained).
Molecular consequence: synonymous variant. On other transcripts: non-coding transcript variant (1).
Genome position (GRCh38, 1-based): chr5:90,720,158, C>T. VCF-style: chr5-90720158-C-T. GRCh37 (hg19) VCF-style: chr5-90015975-C-T.
Identifiers: ClinVar variation 163589 (VCV000163589.47), dbSNP rs201089046, ClinGen allele CA176206.

ClinVar aggregate classification (germline): Conflicting classifications of pathogenicity. Review status: criteria provided, conflicting classifications (1 of 4 stars). 7 submissions from 7 submitters: Uncertain significance (2); Likely benign (5). Last evaluated 2025-11-26.

Conditions:
ADGRV1-related disorder. Also called: ADGRV1-related condition; ADGRV1-related disorders.
Usher syndrome type 2C. Also called: Usher syndrome, type 2B; USHER SYNDROME, TYPE IIC. Identifiers: Orphanet 231178, Orphanet 886, MedGen C2931213, MONDO:0011558, OMIM 605472.

Allele frequency attached by ClinVar (database versions not stated): gnomAD exomes 0.00002 and 0.00006; ExAC 0.00008; 1000 Genomes Project 30x 0.00016; gnomAD 0.00016 and 0.00017; TOPMed 0.00016; ESP Exome Variant Server 0.00017; 1000 Genomes Project 0.00020.
gnomAD v4.1: 52 of 1,610,856 alleles (0.0032%); highest among the groups gnomAD compares: African/African-American, 0.063%; no homozygotes.

Submissions (7):

PreventionGenetics, part of Exact Sciences
Classification: Likely benign for ADGRV1-related condition. Last evaluated: 2025-11-26. Review status: criteria provided, single submitter. Criteria: ACMG Guidelines, 2015. Collection method: clinical testing. Allele origin: germline.
Comment: This variant is classified as likely benign based on ACMG/AMP sequence variant interpretation guidelines (Richards et al. 2015 PMID: 25741868, with internal and published modifications).

CeGaT Center for Human Genetics Tuebingen
Classification: Likely benign. Last evaluated: 2025-10-01. Review status: criteria provided, single submitter. Criteria: CeGaT Center For Human Genetics Tuebingen Variant Classification Criteria Version 2. Collection method: clinical testing. Allele origin: germline. Affected: yes. Observed: 3 variant alleles.
Comment: ADGRV1: BP4, BP7

Labcorp Genetics (formerly Invitae), Labcorp
Classification: Likely benign. Last evaluated: 2025-09-22. Review status: criteria provided, single submitter. Criteria: Invitae Variant Classification Sherloc (09022015). Collection method: clinical testing. Allele origin: germline.

Blueprint Genetics
Classification: Likely benign. Last evaluated: 2022-11-17. Review status: criteria provided, single submitter. Criteria: ACMG Guidelines, 2015. Collection method: clinical testing. Allele origin: germline.

Illumina Laboratory Services, Illumina
Classification: Uncertain significance for Usher syndrome type 2C. Last evaluated: 2018-01-12. Review status: criteria provided, single submitter. Criteria: ICSL Variant Classification Criteria 13 December 2019. Collection method: clinical testing. Allele origin: germline.

Eurofins Ntd Llc (ga)
Classification: Uncertain significance. Last evaluated: 2017-08-08. Review status: criteria provided, single submitter. Criteria: EGL Classification Definitions 2015. Collection method: clinical testing. Allele origin: germline. Observed: 1 variant allele, 1 heterozygote.

Laboratory for Molecular Medicine, Mass General Brigham Personalized Medicine
Classification: Likely benign. Last evaluated: 2016-08-02. Review status: criteria provided, single submitter. Criteria: LMM Criteria. Collection method: clinical testing. Allele origin: germline. Observed: 2 variant alleles.
Comment: p.Thr3186Thr in exon 44 of GPR98: This variant is not expected to have clinical significance because it does not alter an amino acid residue, is not located wit hin the splice consensus sequence, and has been identified in 0.1% (7/9748) of A frican chromosomes by the Exome Aggregation Consortium (ExAC; dbSNP rs201089046).